The following is an entry in ClinVar:

ClinVar aggregate classification (germline): Benign/Likely benign. Review status: criteria provided, multiple submitters, no conflicts (2 of 4 stars). 6 submissions from 6 submitters: Benign (2); Likely benign (3). 1 of the submissions does not count toward it. Last evaluated 2026-08-01.

Conditions:
NBEA-related disorder. Also called: NBEA-related condition.

Allele frequency attached by ClinVar (database versions not stated): gnomAD exomes 0.00034 and 0.00095; ExAC 0.00120; 1000 Genomes Project 0.00220; 1000 Genomes Project 30x 0.00265; gnomAD 0.00387 and 0.00424; TOPMed 0.00444; ESP Exome Variant Server 0.00507.
gnomAD v4.1: 1,118 of 1,613,994 alleles (0.069%); highest among the groups gnomAD compares: African/African-American, 1.3%; 8 homozygotes.

Submissions (6):

CeGaT Center for Human Genetics Tuebingen
Classification: Likely benign. Last evaluated: 2026-08-01. Review status: criteria provided, single submitter. Criteria: CeGaT Center For Human Genetics Tuebingen Variant Classification Criteria Version 2. Collection method: clinical testing. Allele origin: germline. Affected: yes. Observed: 5 variant alleles.
Comment: NBEA: BP4, BP7, BS1

Mayo Clinic Laboratories, Mayo Clinic
Classification: Likely benign. Last evaluated: 2025-04-09. Review status: criteria provided, single submitter. Criteria: ACMG Guidelines, 2015. Collection method: clinical testing. Allele origin: germline. Observed: 2 variant alleles.
Comment: BS1, BP4, BP7

Blueprint Genetics
Classification: Likely benign. Last evaluated: 2024-05-09. Review status: criteria provided, single submitter. Criteria: ACMG Guidelines, 2015. Collection method: clinical testing. Allele origin: germline.

Labcorp Genetics (formerly Invitae), Labcorp
Classification: Benign. Last evaluated: 2019-12-31. Review status: criteria provided, single submitter. Criteria: Invitae Variant Classification Sherloc (09022015). Collection method: clinical testing. Allele origin: germline.

Breakthrough Genomics
Classification: Benign. Review status: criteria provided, single submitter. Criteria: ACMG Guidelines, 2015. Collection method: not provided. Allele origin: germline. Inheritance: Autosomal dominant inheritance. Affected: yes.

PreventionGenetics, part of Exact Sciences
Classification: Benign for NBEA-related condition. Last evaluated: 2022-01-31. Review status: no assertion criteria provided. Collection method: clinical testing. Allele origin: germline. Not counted in ClinVar's aggregate classification.
Comment: This variant is classified as benign based on ACMG/AMP sequence variant interpretation guidelines (Richards et al. 2015 PMID: 25741868, with internal and published modifications).

NM_001385012.1(NBEA):c.7854T>C (p.Ser2618=)

Gene: NBEA (neurobeachin; plus strand). Cytogenetic location: 13q13.3.
Variant type: single nucleotide variant.
Coding change: c.7854T>C on transcript NM_001385012.1 (MANE Select); coding-DNA position 7854, T replaced by C.
Protein change: p.Ser2618=; no amino-acid change (serine 2618 retained).
Molecular consequence: synonymous variant.
Genome position (GRCh38, 1-based): chr13:35,649,738, T>C. VCF-style: chr13-35649738-T-C. GRCh37 (hg19) VCF-style: chr13-36223875-T-C.
Other names: p.Ser2597=; c.1170T>C, p.Ser390= (NM_001204197.3); c.7845T>C, p.Ser2615= (NM_001379245.1); c.7791T>C, p.Ser2597= (NM_015678.5).
Identifiers: ClinVar variation 733667 (VCV000733667.31), dbSNP rs115144934, ClinGen allele CA6947866.